The following is an entry in ClinVar:

ClinVar aggregate classification (germline): Likely benign. Review status: criteria provided, multiple submitters, no conflicts (2 of 4 stars). 5 submissions from 5 submitters: Likely benign (4). 1 of the submissions does not count toward it. Last evaluated 2026-02-02.

Conditions:
Leber congenital amaurosis (LCA). Also called: Leber's amaurosis. Identifiers: Orphanet 65, MedGen C0339527, MeSH D057130, MONDO:0018998.
Meckel syndrome, type 4 (MKS4). Also called: MECKEL-GRUBER SYNDROME, TYPE 4. Identifiers: Orphanet 564, MedGen C1970161, MONDO:0012626, OMIM 611134.
Senior-Loken syndrome 6 (SLSN6). Identifiers: Orphanet 3156, MedGen C1857779, MONDO:0012433, OMIM 610189.
Leber congenital amaurosis 10 (LCA10). Identifiers: Orphanet 65, MedGen C1857821, MONDO:0012723, OMIM 611755.
Joubert syndrome 5 (JBTS5). Identifiers: Orphanet 2318, MedGen C1857780, MONDO:0012432, OMIM 610188.
Bardet-Biedl syndrome 14 (BBS14). Identifiers: Orphanet 110, MedGen C2673874, MONDO:0014442, OMIM 615991.
Nephronophthisis. Also called: Juvenile Nephronophthisis. Identifiers: Orphanet 655, MedGen C0687120, MONDO:0019005, HP:0000090.
Meckel-Gruber syndrome. Also called: Dysencephalia splachnocystica; GRUBER SYNDROME; DYSENCEPHALIA SPLANCHNOCYSTICA. Identifiers: Orphanet 564, MedGen C0265215, MONDO:0018921.
Joubert syndrome. Also called: Familial aplasia of the vermis; JOUBERT-BOLTSHAUSER SYNDROME. Identifiers: Orphanet 475, MedGen C5979921, MONDO:0018772.

Allele frequency attached by ClinVar (database versions not stated): 1000 Genomes Project 30x 0.00047; gnomAD exomes 0.00002 and 0.00006; ExAC 0.00004; gnomAD 0.00016 and 0.00017; TOPMed 0.00019; 1000 Genomes Project 0.00040.
gnomAD v4.1: 54 of 1,539,166 alleles (0.0035%); highest among the groups gnomAD compares: African/African-American, 0.048%; no homozygotes.

Submissions (5):

Labcorp Genetics (formerly Invitae), Labcorp
Classification: Likely benign for Joubert syndrome; Meckel-Gruber syndrome; Nephronophthisis. Last evaluated: 2026-02-02. Review status: criteria provided, single submitter. Criteria: Invitae Variant Classification Sherloc (09022015). Collection method: clinical testing. Allele origin: germline.

Blueprint Genetics
Classification: Likely benign. Last evaluated: 2024-03-11. Review status: criteria provided, single submitter. Criteria: ACMG Guidelines, 2015. Collection method: clinical testing. Allele origin: germline.

CeGaT Center for Human Genetics Tuebingen
Classification: Likely benign. Last evaluated: 2023-03-01. Review status: criteria provided, single submitter. Criteria: CeGaT Center For Human Genetics Tuebingen Variant Classification Criteria Version 2. Collection method: clinical testing. Allele origin: germline. Affected: yes. Observed: 1 variant allele.
Comment: CEP290: BP4, BP7

Fulgent Genetics
Classification: Likely benign for Joubert syndrome 5; Senior-Loken syndrome 6; Meckel syndrome, type 4; Leber congenital amaurosis 10; Bardet-Biedl syndrome 14. Last evaluated: 2021-09-25. Review status: criteria provided, single submitter. Criteria: ACMG Guidelines, 2015. Collection method: clinical testing. Allele origin: unknown.

Natera, Inc.
Classification: Likely benign for Leber congenital amaurosis. Last evaluated: 2020-09-16. Review status: no assertion criteria provided. Collection method: clinical testing. Allele origin: germline. Not counted in ClinVar's aggregate classification.

NM_025114.4(CEP290):c.1918T>C (p.Leu640=)

Gene: CEP290 (centrosomal protein 290; minus strand). Cytogenetic location: 12q21.32.
Variant type: single nucleotide variant.
Coding change: c.1918T>C on transcript NM_025114.4 (MANE Select); coding-DNA position 1918, T replaced by C.
Protein change: p.Leu640=; no amino-acid change (leucine 640 retained).
Molecular consequence: synonymous variant.
Genome position (GRCh38, 1-based): chr12:88,114,554, A>G on the plus strand (T>C on the coding strand, the complement: CEP290 is on the minus strand). VCF-style: chr12-88114554-A-G. GRCh37 (hg19) VCF-style: chr12-88508331-A-G.
Identifiers: ClinVar variation 698294 (VCV000698294.37), dbSNP rs541138095, ClinGen allele CA6712428.